The following is an entry in ClinVar:

ClinVar aggregate classification (germline): Uncertain significance (1 of 4 stars; one submission).

Conditions:
Familial thoracic aortic aneurysm and aortic dissection (TAAD). Also called: Thoracic aortic aneurysms and dissections. Identifiers: Orphanet 91387, MedGen C4707243, MONDO:0019625.

Submission:

All of Us Research Program, National Institutes of Health
Classification: Uncertain significance for Familial thoracic aortic aneurysm and aortic dissection. Last evaluated: 2024-08-06. Review status: criteria provided, single submitter. Criteria: ACMG Guidelines, 2015. Collection method: clinical testing. Allele origin: germline. Inheritance: Autosomal dominant inheritance. Observed: 1 variant allele, 1 heterozygote.
Comment: This study involves interpretation of variants in research participants for the purpose of population health screening. Participant phenotype was not available at the time of variant classification. Additional details can be found in publication PMID: 35346344, PMCID: PMC8962531

NM_002474.3(MYH11):c.1725C>A (p.Phe575Leu)

Gene: MYH11 (myosin heavy chain 11; minus strand). Cytogenetic location: 16p13.11.
Variant type: single nucleotide variant.
Coding change: c.1725C>A on transcript NM_002474.3 (MANE Select); coding-DNA position 1725, C replaced by A.
Protein change: p.Phe575Leu; replaces phenylalanine 575 with leucine.
Molecular consequence: missense variant.
Genome position (GRCh38, 1-based): chr16:15,756,365, G>T on the plus strand (C>A on the coding strand, the complement: MYH11 is on the minus strand). VCF-style: chr16-15756365-G-T. GRCh37 (hg19) VCF-style: chr16-15850222-G-T.
Other names: c.1746C>A, p.Phe582Leu (NM_001040113.2, NM_001040114.2); c.1725C>A, p.Phe575Leu (NM_022844.3); short protein forms F575L, F582L.
Identifiers: ClinVar variation 3387233 (VCV003387233.1).